The following is an entry in ClinVar:

ClinVar aggregate classification (germline): Benign/Likely benign. Review status: criteria provided, multiple submitters, no conflicts (2 of 4 stars). 5 submissions from 5 submitters: Benign (1); Likely benign (2). 2 of the submissions do not count toward it. Last evaluated 2024-11-26.

Allele frequency attached by ClinVar (database versions not stated): gnomAD exomes 0.00251 and 0.00281; gnomAD 0.00382 and 0.00418.

Submissions (5):

Blueprint Genetics
Classification: Likely benign. Last evaluated: 2024-11-26. Review status: criteria provided, single submitter. Criteria: ACMG Guidelines, 2015. Collection method: clinical testing. Allele origin: germline.

CeGaT Center for Human Genetics Tuebingen
Classification: Benign. Last evaluated: 2023-07-01. Review status: criteria provided, single submitter. Criteria: CeGaT Center For Human Genetics Tuebingen Variant Classification Criteria Version 2. Collection method: clinical testing. Allele origin: germline. Affected: yes. Observed: 1 variant allele.
Comment: CEL: BS1, BS2

GeneDx
Classification: Likely benign. Last evaluated: 2018-07-09. Review status: criteria provided, single submitter. Criteria: GeneDx Variant Classification Process June 2021. Collection method: clinical testing. Allele origin: germline. Affected: yes.

Clinical Genetics DNA and cytogenetics Diagnostics Lab, Erasmus MC, Erasmus Medical Center
Classification: Benign. Review status: no assertion criteria provided. Collection method: clinical testing. Allele origin: germline. Affected: yes. Study: VKGL Data-share Consensus. Not counted in ClinVar's aggregate classification.

Laboratory of Diagnostic Genome Analysis, Leiden University Medical Center (LUMC)
Classification: Benign. Review status: no assertion criteria provided. Collection method: clinical testing. Allele origin: germline. Affected: yes. Study: VKGL Data-share Consensus. Not counted in ClinVar's aggregate classification.

NM_001807.6(CEL):c.1828T>G (p.Ser610Ala)

Gene: CEL (carboxyl ester lipase; plus strand). Cytogenetic location: 9q34.13.
Variant type: single nucleotide variant.
Coding change: c.1828T>G on transcript NM_001807.6 (MANE Select); coding-DNA position 1828, T replaced by G.
Protein change: p.Ser610Ala; replaces serine 610 with alanine.
Molecular consequence: missense variant.
Genome position (GRCh38, 1-based): chr9:133,071,330, T>G. VCF-style: chr9-133071330-T-G. GRCh37 (hg19) VCF-style: chr9-135946717-T-G.
Other names: short protein forms S610A.
Identifiers: ClinVar variation 1208177 (VCV001208177.30), dbSNP rs1252154279, ClinGen allele CA375401155.
Genomic context (GRCh38, chr9:133,071,330, plus strand): 5'-GCCCCCCCCGTGCCGCCCACGGGTGACTCCGGGGCCCCCCCCGTGCCGCCCACGGGTGAC[T>G]CCGGGGCCCCCCCCGTGCCGCCCACGGGTGACTCCGGGGCCCCCCCCGTGCCGCCCACGG-3'
Protein context (NP_001798.3, residues 600-620): GAPPVPPTGD[Ser610Ala]GAPPVPPTGD